The following is an entry in ClinVar:

NM_032228.6(FAR1):c.451G>C (p.Val151Leu)

Gene: FAR1 (fatty acyl-CoA reductase 1; plus strand). Cytogenetic location: 11p15.3.
Variant type: single nucleotide variant.
Coding change: c.451G>C on transcript NM_032228.6 (MANE Select); coding-DNA position 451, G replaced by C.
Protein change: p.Val151Leu; replaces valine 151 with leucine.
Molecular consequence: missense variant.
Genome position (GRCh38, 1-based): chr11:13,707,985, G>C. VCF-style: chr11-13707985-G-C. GRCh37 (hg19) VCF-style: chr11-13729532-G-C.
Other names: short protein forms V151L.
Identifiers: ClinVar variation 2106742 (VCV002106742.4), dbSNP rs2500126941, ClinGen allele CA379856828.
Genomic context (GRCh38, chr11:13,707,985, plus strand): 5'-GCAACGCGACAGCTTATTCTCCTTGCACAACAAATGAAGAATCTGGAAGTGTTCATGCAT[G>C]TATCAACAGCATATGCCTACTGTAATCGCAAGCATATTGATGAAGTAGTCTATCCACCAC-3'
Protein context (NP_115604.1, residues 141-161): QMKNLEVFMH[Val151Leu]STAYAYCNRK

ClinVar aggregate classification (germline): Uncertain significance (1 of 4 stars; one submission).

Submission:

Labcorp Genetics (formerly Invitae), Labcorp
Classification: Uncertain significance. Last evaluated: 2022-11-22. Review status: criteria provided, single submitter. Criteria: Invitae Variant Classification Sherloc (09022015). Collection method: clinical testing. Allele origin: germline.
Comment: In summary, the available evidence is currently insufficient to determine the role of this variant in disease. Therefore, it has been classified as a Variant of Uncertain Significance. Advanced modeling of protein sequence and biophysical properties (such as structural, functional, and spatial information, amino acid conservation, physicochemical variation, residue mobility, and thermodynamic stability) performed at Invitae indicates that this missense variant is not expected to disrupt FAR1 protein function. This variant has not been reported in the literature in individuals affected with FAR1-related conditions. This variant is not present in population databases (gnomAD no frequency). This sequence change replaces valine, which is neutral and non-polar, with leucine, which is neutral and non-polar, at codon 151 of the FAR1 protein (p.Val151Leu).